The following is an entry in ClinVar:

NM_021096.4(CACNA1I):c.6029C>A (p.Ala2010Asp)

Gene: CACNA1I (calcium voltage-gated channel subunit alpha1 I; plus strand). Cytogenetic location: 22q13.1.
Variant type: single nucleotide variant.
Coding change: c.6029C>A on transcript NM_021096.4 (MANE Select); coding-DNA position 6029, C replaced by A.
Protein change: p.Ala2010Asp; replaces alanine 2010 with aspartic acid.
Molecular consequence: missense variant.
Genome position (GRCh38, 1-based): chr22:39,685,762, C>A. VCF-style: chr22-39685762-C-A. GRCh37 (hg19) VCF-style: chr22-40081767-C-A.
Other names: c.5924C>A, p.Ala1975Asp (NM_001003406.2); short protein forms A1975D, A2010D.
Identifiers: ClinVar variation 4647531 (VCV004647531.2).
Genomic context (GRCh38, chr22:39,685,762, plus strand): 5'-CCAGGTTGCTGGGGTGGGGGCCGACACAGGCGGCCTCCACGGCTCCCACCTCCCCCCAGG[C>A]CACCGGGAGCGACACGTCGCTGGACGCCAGCCCCAGCAGCTCCGCGGGCAGCCTGCAGAC-3'
Protein context (NP_066919.2, residues 2000-2020): PRVNCTLLRQ[Ala2010Asp]TGSDTSLDAS

ClinVar aggregate classification (germline): Conflicting classifications of pathogenicity. Review status: criteria provided, conflicting classifications (1 of 4 stars). 2 submissions from 2 submitters: Uncertain significance (1); Likely benign (1). Last evaluated 2025-11-26.

Conditions:
CACNA1I-related disorder. Also called: CACNA1I-related condition.

gnomAD v4.1: 108 of 1,479,196 alleles (0.0073%); highest among the groups gnomAD compares: African/African-American, 0.14%; no homozygotes.

Submissions (2):

Ambry Genetics
Classification: Uncertain significance. Last evaluated: 2025-11-26. Review status: criteria provided, single submitter. Criteria: Ambry Variant Classification Scheme 2023. Collection method: clinical testing. Allele origin: germline.

PreventionGenetics, part of Exact Sciences
Classification: Likely benign for CACNA1I-related condition. Last evaluated: 2024-11-13. Review status: criteria provided, single submitter. Criteria: ACMG Guidelines, 2015. Collection method: clinical testing. Allele origin: germline.
Comment: This variant is classified as likely benign based on ACMG/AMP sequence variant interpretation guidelines (Richards et al. 2015 PMID: 25741868, with internal and published modifications).